The following is an entry in ClinVar:

NM_003072.5(SMARCA4):c.3941A>T (p.Asp1314Val)

Gene: SMARCA4 (SWI/SNF related BAF chromatin remodeling complex subunit ATPase 4; plus strand). Cytogenetic location: 19p13.2.
Variant type: single nucleotide variant.
Coding change: c.3941A>T on transcript NM_003072.5 (MANE Select); coding-DNA position 3941, A replaced by T.
Protein change: p.Asp1314Val; replaces aspartic acid 1314 with valine.
Molecular consequence: missense variant. On other transcripts: non-coding transcript variant (1).
Genome position (GRCh38, 1-based): chr19:11,034,190, A>T. VCF-style: chr19-11034190-A-T. GRCh37 (hg19) VCF-style: chr19-11144866-A-T.
Other names: c.3941A>T, p.Asp1314Val (NM_001128844.3, NM_001128849.3); c.3842A>T, p.Asp1281Val (NM_001128845.2, NM_001128846.2, NM_001128847.4 and 2 more transcripts); short protein forms D1281V, D1314V.
Identifiers: ClinVar variation 864575 (VCV000864575.9), dbSNP rs2075119766, ClinGen allele CA404067942.

ClinVar aggregate classification (germline): Uncertain significance (1 of 4 stars; one submission).

Conditions:
Rhabdoid tumor predisposition syndrome 2 (RTPS2). Identifiers: Orphanet 231108, Orphanet 69077, MedGen C2750074, MONDO:0013224, OMIM 613325.

Submission:

Labcorp Genetics (formerly Invitae), Labcorp
Classification: Uncertain significance for Rhabdoid tumor predisposition syndrome 2. Last evaluated: 2019-03-20. Review status: criteria provided, single submitter. Criteria: Invitae Variant Classification Sherloc (09022015). Collection method: clinical testing. Allele origin: germline.
Comment: In summary, the available evidence is currently insufficient to determine the role of this variant in disease. Therefore, it has been classified as a Variant of Uncertain Significance. Algorithms developed to predict the effect of missense changes on protein structure and function are either unavailable or do not agree on the potential impact of this missense change (SIFT: "Deleterious"; PolyPhen-2: "Benign"; Align-GVGD: "Class C65"). This variant has not been reported in the literature in individuals with SMARCA4-related conditions. This variant is not present in population databases (ExAC no frequency). This sequence change replaces aspartic acid with valine at codon 1314 of the SMARCA4 protein (p.Asp1314Val). The aspartic acid residue is highly conserved and there is a large physicochemical difference between aspartic acid and valine.